The following is an entry in ClinVar:

ClinVar aggregate classification (germline): Uncertain significance (1 of 4 stars; one submission).

Conditions:
Malignant hyperthermia, susceptibility to, 5 (MHS5). Also called: CACNA1S-Related Malignant Hyperthermia Susceptibility. Identifiers: Orphanet 423, MedGen C1866077, MONDO:0011163, OMIM 601887.

Submission:

All of Us Research Program, National Institutes of Health
Classification: Uncertain significance for Malignant hyperthermia, susceptibility to, 5. Last evaluated: 2023-04-03. Review status: criteria provided, single submitter. Criteria: ACMG Guidelines, 2015. Collection method: clinical testing. Allele origin: germline. Inheritance: Autosomal dominant inheritance. Observed: 1 variant allele, 1 heterozygote.
Comment: This missense variant replaces leucine with valine at codon 1387 of the CACNA1S protein. Computational prediction suggests that this variant may have deleterious impact on protein structure and function (internally defined REVEL score threshold >= 0.7, PMID: 27666373). To our knowledge, functional studies have not been reported for this variant. This variant has not been reported in individuals affected with CACNA1S-related disorders in the literature. This variant has not been identified in the general population by the Genome Aggregation Database (gnomAD). The available evidence is insufficient to determine the role of this variant in disease conclusively. Therefore, this variant is classified as a Variant of Uncertain Significance.

This study involves interpretation of variants in research participants for the purpose of population health screening. Participant phenotype was not available at the time of variant classification. Additional details can be found in publication PMID: 35346344, PMCID: PMC8962531

NM_000069.3(CACNA1S):c.4159C>G (p.Leu1387Val)

Gene: CACNA1S (calcium voltage-gated channel subunit alpha1 S; minus strand). Cytogenetic location: 1q32.1.
Variant type: single nucleotide variant.
Coding change: c.4159C>G on transcript NM_000069.3 (MANE Select); coding-DNA position 4159, C replaced by G.
Protein change: p.Leu1387Val; replaces leucine 1387 with valine.
Molecular consequence: missense variant.
Genome position (GRCh38, 1-based): chr1:201,050,471, G>C on the plus strand (C>G on the coding strand, the complement: CACNA1S is on the minus strand). VCF-style: chr1-201050471-G-C. GRCh37 (hg19) VCF-style: chr1-201019599-G-C.
Other names: short protein forms L1387V.
Identifiers: ClinVar variation 3070064 (VCV003070064.1), dbSNP rs2464444093, ClinGen allele CA344148605.